The following is an entry in ClinVar:

ClinVar aggregate classification (germline): Uncertain significance (1 of 4 stars; one submission).

Submission:

GeneDx
Classification: Uncertain significance. Last evaluated: 2025-03-24. Review status: criteria provided, single submitter. Criteria: GeneDx Variant Classification Process June 2021. Collection method: clinical testing. Allele origin: germline. Affected: yes.
Comment: Not observed at significant frequency in large population cohorts (gnomAD); In silico analysis indicates that this missense variant does not alter protein structure/function; Has not been previously published as pathogenic or benign to our knowledge

NM_001197104.2(KMT2A):c.949G>A (p.Gly317Ser)

Gene: KMT2A (lysine methyltransferase 2A; plus strand). Cytogenetic location: 11q23.3.
Variant type: single nucleotide variant.
Coding change: c.949G>A on transcript NM_001197104.2 (MANE Select); coding-DNA position 949, G replaced by A.
Protein change: p.Gly317Ser; replaces glycine 317 with serine.
Molecular consequence: missense variant.
Genome position (GRCh38, 1-based): chr11:118,472,108, G>A. VCF-style: chr11-118472108-G-A. GRCh37 (hg19) VCF-style: chr11-118342823-G-A.
Other names: c.1048G>A, p.Gly350Ser (NM_001412597.1); c.949G>A, p.Gly317Ser (NM_005933.4); short protein forms G350S, G317S.
Identifiers: ClinVar variation 4087828 (VCV004087828.1).
Genomic context (GRCh38, chr11:118,472,108, plus strand): 5'-GTACAAATTGTACGACGGAGAGGAAGGCCTCCATCAACAGAAAGGATAAAGACCCCTTCG[G>A]GTCTCCTCATTAATTCTGAACTGGAAAAGCCCCAGAAAGTCCGGAAAGACAAGGAAGGAA-3'
Protein context (NP_001184033.1, residues 307-327): PSTERIKTPS[Gly317Ser]LLINSELEKP